The following is an entry in ClinVar:

ClinVar aggregate classification (germline): Uncertain significance (1 of 4 stars; one submission).

Conditions:
Congenital myopathy with internal nuclei and atypical cores. Also called: Myopathy, centronuclear, 4. Identifiers: Orphanet 319160, MedGen C4707232, MONDO:0013890, OMIM 614807.

Allele frequency attached by ClinVar (database versions not stated): ExAC 0.00002; TOPMed 0.00002; gnomAD 0.00003; ESP Exome Variant Server 0.00008.

Submission:

Labcorp Genetics (formerly Invitae), Labcorp
Classification: Uncertain significance for Congenital myopathy with internal nuclei and atypical cores. Last evaluated: 2023-12-03. Review status: criteria provided, single submitter. Criteria: Invitae Variant Classification Sherloc (09022015). Collection method: clinical testing. Allele origin: germline.
Comment: This sequence change replaces glycine, which is neutral and non-polar, with aspartic acid, which is acidic and polar, at codon 110 of the CCDC78 protein (p.Gly110Asp). This variant is present in population databases (rs369153172, gnomAD 0.0009%). This variant has not been reported in the literature in individuals affected with CCDC78-related conditions. Advanced modeling of protein sequence and biophysical properties (such as structural, functional, and spatial information, amino acid conservation, physicochemical variation, residue mobility, and thermodynamic stability) performed at Invitae indicates that this missense variant is not expected to disrupt CCDC78 protein function with a negative predictive value of 80%. In summary, the available evidence is currently insufficient to determine the role of this variant in disease. Therefore, it has been classified as a Variant of Uncertain Significance.

NM_001378030.1(CCDC78):c.329G>A (p.Gly110Asp)

Gene: CCDC78 (coiled-coil domain containing 78; minus strand). Cytogenetic location: 16p13.3.
Variant type: single nucleotide variant.
Coding change: c.329G>A on transcript NM_001378030.1 (MANE Select); coding-DNA position 329, G replaced by A.
Protein change: p.Gly110Asp; replaces glycine 110 with aspartic acid.
Molecular consequence: missense variant. On other transcripts: non-coding transcript variant (5), intron variant (1).
Genome position (GRCh38, 1-based): chr16:725,519, C>T on the plus strand (G>A on the coding strand, the complement: CCDC78 is on the minus strand). VCF-style: chr16-725519-C-T. GRCh37 (hg19) VCF-style: chr16-775519-C-T.
Other names: c.329G>A, p.Gly110Asp (NM_001031737.3, NM_001378031.1); c.-18-226G>A (NM_001378033.1); short protein forms G110D.
Identifiers: ClinVar variation 2694986 (VCV002694986.3), dbSNP rs369153172, ClinGen allele CA7789645.